The following is an entry in ClinVar:

ClinVar aggregate classification (germline): Uncertain significance. Review status: criteria provided, multiple submitters, no conflicts (2 of 4 stars). 2 submissions from 2 submitters: Uncertain significance (2). Last evaluated 2025-08-05.

Conditions:
Retinal cone dystrophy 4 (RCD4). Identifiers: Orphanet 1872, MedGen C1864849, MONDO:0012507, OMIM 610478.

Allele frequency attached by ClinVar (database versions not stated): ESP Exome Variant Server 0.00008; TOPMed 0.00013; gnomAD exomes 0.00014 and 0.00016; gnomAD 0.00015; 1000 Genomes Project 30x 0.00016; 1000 Genomes Project 0.00020; ExAC 0.00024.
gnomAD v4.1: 227 of 1,610,990 alleles (0.014%); highest among the groups gnomAD compares: African/African-American, 0.021%; no homozygotes.

Submissions (2):

Labcorp Genetics (formerly Invitae), Labcorp
Classification: Uncertain significance. Last evaluated: 2025-08-05. Review status: criteria provided, single submitter. Criteria: Invitae Variant Classification Sherloc (09022015). Collection method: clinical testing. Allele origin: germline.
Comment: This sequence change replaces arginine, which is basic and polar, with tryptophan, which is neutral and slightly polar, at codon 724 of the CACNA2D4 protein (p.Arg724Trp). This variant is present in population databases (rs371178386, gnomAD 0.03%). This variant has not been reported in the literature in individuals affected with CACNA2D4-related conditions. ClinVar contains an entry for this variant (Variation ID: 837235). An algorithm developed to predict the effect of missense changes on protein structure and function (PolyPhen-2) suggests that this variant is likely to be disruptive. In summary, the available evidence is currently insufficient to determine the role of this variant in disease. Therefore, it has been classified as a Variant of Uncertain Significance.

Blueprint Genetics
Classification: Uncertain significance. Last evaluated: 2024-08-21. Review status: criteria provided, single submitter. Criteria: ACMG Guidelines, 2015. Collection method: clinical testing. Allele origin: germline.

NM_172364.5(CACNA2D4):c.2170C>T (p.Arg724Trp)

Gene: CACNA2D4 (calcium voltage-gated channel auxiliary subunit alpha2delta 4; minus strand). Cytogenetic location: 12p13.33.
Variant type: single nucleotide variant.
Coding change: c.2170C>T on transcript NM_172364.5 (MANE Select); coding-DNA position 2170, C replaced by T.
Protein change: p.Arg724Trp; replaces arginine 724 with tryptophan.
Molecular consequence: missense variant.
Genome position (GRCh38, 1-based): chr12:1,854,027, G>A on the plus strand (C>T on the coding strand, the complement: CACNA2D4 is on the minus strand). VCF-style: chr12-1854027-G-A. GRCh37 (hg19) VCF-style: chr12-1963193-G-A.
Other names: short protein forms R724W.
Identifiers: ClinVar variation 837235 (VCV000837235.10), dbSNP rs371178386, ClinGen allele CA6386812.